The following is an entry in ClinVar:

ClinVar aggregate classification (germline): Likely benign (1 of 4 stars; one submission).

gnomAD v4.1: 29 of 1,599,600 alleles (0.0018%); highest among the groups gnomAD compares: Middle Eastern, 0.018%; no homozygotes.

Submission:

CeGaT Center for Human Genetics Tuebingen
Classification: Likely benign. Last evaluated: 2025-09-01. Review status: criteria provided, single submitter. Criteria: CeGaT Center For Human Genetics Tuebingen Variant Classification Criteria Version 2. Collection method: clinical testing. Allele origin: germline. Affected: yes. Observed: 1 variant allele.
Comment: CELSR1: BP4

NM_001378328.1(CELSR1):c.6652C>T (p.Arg2218Trp)

Genes: CELSR1 (cadherin EGF LAG seven-pass G-type receptor 1; minus strand), LOC126863169 (BRD4-independent group 4 enhancer GRCh37_chr22:46782038-46783237; plus strand). Cytogenetic location: 22q13.31.
Variant type: single nucleotide variant.
Coding change: c.6652C>T on transcript NM_001378328.1 (MANE Select); coding-DNA position 6652, C replaced by T.
Protein change: p.Arg2218Trp; replaces arginine 2218 with tryptophan.
Molecular consequence: missense variant.
Genome position (GRCh38, 1-based): chr22:46,386,489, G>A on the plus strand (C>T on the coding strand, the complement: CELSR1 is on the minus strand). VCF-style: chr22-46386489-G-A. GRCh37 (hg19) VCF-style: chr22-46782386-G-A.
Other names: c.6652C>T, p.Arg2218Trp (NM_014246.4); short protein forms R2218W.
Identifiers: ClinVar variation 4280988 (VCV004280988.7).